The following is an entry in ClinVar:

NM_000262.3(NAGA):c.*143C>T

Gene: NAGA (alpha-N-acetylgalactosaminidase; minus strand). Cytogenetic location: 22q13.2.
Variant type: single nucleotide variant.
Coding change: c.*143C>T on transcript NM_000262.3 (MANE Select); 143 bases downstream of the stop codon, C replaced by T.
Molecular consequence: 3 prime UTR variant.
Genome position (GRCh38, 1-based): chr22:42,060,136, G>A on the plus strand (C>T on the coding strand, the complement: NAGA is on the minus strand). VCF-style: chr22-42060136-G-A. GRCh37 (hg19) VCF-style: chr22-42456140-G-A.
Other names: c.*143C>T (NM_001362848.1, NM_001362850.1).
Identifiers: ClinVar variation 341902 (VCV000341902.8), dbSNP rs17002832, ClinGen allele CA10653614.
Genomic context (GRCh38, chr22:42,060,136, plus strand): 5'-AATTGCCCCAAAAGAAGTTTCCAAGAGGGTTTACGCTTGGACAGGGCATAGAACCTGGCC[G>A]TGAGATTGCACTTTGGGTATGATGGGGTCAGTCACCGAGCAGGCCTGGGGAGCAGAGAAC-3'

ClinVar aggregate classification (germline): Benign. Review status: criteria provided, multiple submitters, no conflicts (2 of 4 stars). 4 submissions from 3 submitters: Benign (4). Last evaluated 2018-12-31.

Conditions:
Alpha-N-acetylgalactosaminidase deficiency type 2. Also called: ALPHA-N-ACETYLGALACTOSAMINIDASE DEFICIENCY, TYPE II; NAGA DEFICIENCY, TYPE II; SCHINDLER DISEASE, TYPE II. Identifiers: Orphanet 3137, Orphanet 79280, MedGen C1836522, MONDO:0012222, OMIM 609242.
Alpha-N-acetylgalactosaminidase deficiency type 1. Also called: SCHINDLER DISEASE, TYPE I; ALPHA-N-ACETYLGALACTOSAMINIDASE DEFICIENCY, TYPE I; NAGA DEFICIENCY, TYPE I; NEUROAXONAL DYSTROPHY, SCHINDLER TYPE. Identifiers: Orphanet 3137, Orphanet 79279, Orphanet 79281, MedGen C1836544, MONDO:0012221, OMIM 609241.

Allele frequency attached by ClinVar (database versions not stated): gnomAD exomes 0.00314; gnomAD 0.02889 and 0.03106; 1000 Genomes Project 0.03175; TOPMed 0.03342; 1000 Genomes Project 30x 0.03389.

Submissions (4):

GeneDx
Classification: Benign. Last evaluated: 2018-12-31. Review status: criteria provided, single submitter. Criteria: GeneDx Variant Classification Process June 2021. Collection method: clinical testing. Allele origin: germline. Affected: yes.

Illumina Laboratory Services, Illumina
Classification: Benign for Alpha-N-acetylgalactosaminidase deficiency type 2. Last evaluated: 2018-01-12. Review status: criteria provided, single submitter. Criteria: ICSL Variant Classification Criteria 13 December 2019. Collection method: clinical testing. Allele origin: germline.
Comment: This variant was observed in the ICSL laboratory as part of a predisposition screen in an ostensibly healthy population. It had not been previously curated by ICSL or reported in the Human Gene Mutation Database (HGMD: prior to June 1st, 2018), and was therefore a candidate for classification through an automated scoring system. Utilizing variant allele frequency, disease prevalence and penetrance estimates, and inheritance mode, an automated score was calculated to assess if this variant is too frequent to cause the disease. Based on the score and internal cut-off values, a variant classified as benign is not then subjected to further curation. The score for this variant resulted in a classification of benign for this disease.

Illumina Laboratory Services, Illumina
Classification: Benign for Alpha-N-acetylgalactosaminidase deficiency type 1. Last evaluated: 2018-01-12. Review status: criteria provided, single submitter. Criteria: ICSL Variant Classification Criteria 13 December 2019. Collection method: clinical testing. Allele origin: germline.
Comment: the same text as in the submission from Illumina Laboratory Services, Illumina above.

Breakthrough Genomics
Classification: Benign. Review status: criteria provided, single submitter. Criteria: ACMG Guidelines, 2015. Collection method: not provided. Allele origin: germline. Inheritance: Autosomal recessive inheritance. Affected: yes.